The following is an entry in ClinVar:

ClinVar aggregate classification (germline): Likely benign. Review status: criteria provided, single submitter (1 of 4 stars). 2 submissions from 2 submitters: Likely benign (1). 1 of the submissions does not count toward it. Last evaluated 2025-08-05.

Conditions:
VCAN-related disorder. Also called: VCAN-related condition.

Allele frequency attached by ClinVar (database versions not stated): gnomAD exomes below 0.00001 and 0.00001; gnomAD 0.00008 and 0.00009; TOPMed 0.00019.
gnomAD v4.1: 21 of 1,613,606 alleles (0.0013%); highest among the groups gnomAD compares: Admixed American, 0.023%; no homozygotes.

Submissions (2):

Labcorp Genetics (formerly Invitae), Labcorp
Classification: Likely benign. Last evaluated: 2025-08-05. Review status: criteria provided, single submitter. Criteria: Invitae Variant Classification Sherloc (09022015). Collection method: clinical testing. Allele origin: germline.

PreventionGenetics, part of Exact Sciences
Classification: Likely benign for VCAN-related condition. Last evaluated: 2022-06-15. Review status: no assertion criteria provided. Collection method: clinical testing. Allele origin: germline. Not counted in ClinVar's aggregate classification.
Comment: This variant is classified as likely benign based on ACMG/AMP sequence variant interpretation guidelines (Richards et al. 2015 PMID: 25741868, with internal and published modifications).

NM_004385.5(VCAN):c.6472C>T (p.Leu2158=)

Genes: VCAN (versican; plus strand), VCAN-AS1 (VCAN antisense RNA 1; minus strand). Cytogenetic location: 5q14.3.
Variant type: single nucleotide variant.
Coding change: c.6472C>T on transcript NM_004385.5 (MANE Select); coding-DNA position 6472, C replaced by T.
Protein change: p.Leu2158=; no amino-acid change (leucine 2158 retained).
Molecular consequence: synonymous variant. On other transcripts: intron variant (2).
Genome position (GRCh38, 1-based): chr5:83,539,475, C>T. VCF-style: chr5-83539475-C-T. GRCh37 (hg19) VCF-style: chr5-82835294-C-T.
Other names: c.3511C>T, p.Leu1171= (NM_001164097.2); c.4004-6062C>T (NM_001164098.2); c.1043-6062C>T (NM_001126336.3); c.6472C>T (NM_004385.4).
Identifiers: ClinVar variation 1126910 (VCV001126910.11), dbSNP rs990058748, ClinGen allele CA121810286.